The following is an entry in ClinVar:

NM_000069.3(CACNA1S):c.3862-251T>A

Gene: CACNA1S (calcium voltage-gated channel subunit alpha1 S; minus strand). Cytogenetic location: 1q32.1.
Variant type: single nucleotide variant.
Coding change: c.3862-251T>A on transcript NM_000069.3 (MANE Select); 251 bases into the intron before coding-DNA position 3862, T replaced by A.
Molecular consequence: intron variant.
Genome position (GRCh38, 1-based): chr1:201,052,899, A>T on the plus strand (T>A on the coding strand, the complement: CACNA1S is on the minus strand). VCF-style: chr1-201052899-A-T. GRCh37 (hg19) VCF-style: chr1-201022027-A-T.
Identifiers: ClinVar variation 673920 (VCV000673920.1), dbSNP rs12059309, ClinGen allele CA36002318.

ClinVar aggregate classification (germline): Likely benign (1 of 4 stars; one submission).

Allele frequency attached by ClinVar (database versions not stated): 1000 Genomes Project 0.01038; gnomAD 0.01049 and 0.01129; 1000 Genomes Project 30x 0.01093; TOPMed 0.01189.
gnomAD v4.1: 1,577 of 152,138 alleles (1%); highest among the groups gnomAD compares: African/African-American, 3.5%; 34 homozygotes.

Submission:

GeneDx
Classification: Likely benign. Last evaluated: 2018-06-18. Review status: criteria provided, single submitter. Criteria: GeneDx Variant Classification (06012015). Collection method: clinical testing. Allele origin: germline. Affected: yes.
Comment: This variant is considered likely benign or benign based on one or more of the following criteria: it is a conservative change, it occurs at a poorly conserved position in the protein, it is predicted to be benign by multiple in silico algorithms, and/or has population frequency not consistent with disease.